The following is an entry in ClinVar:

NM_138295.5(PKD1L1):c.5587C>T (p.Arg1863Cys)

Gene: PKD1L1 (polycystin 1 like 1, transient receptor potential channel interacting; minus strand). Cytogenetic location: 7p12.3.
Variant type: single nucleotide variant.
Coding change: c.5587C>T on transcript NM_138295.5 (MANE Select); coding-DNA position 5587, C replaced by T.
Protein change: p.Arg1863Cys; replaces arginine 1863 with cysteine.
Molecular consequence: missense variant.
Genome position (GRCh38, 1-based): chr7:47,839,628, G>A on the plus strand (C>T on the coding strand, the complement: PKD1L1 is on the minus strand). VCF-style: chr7-47839628-G-A. GRCh37 (hg19) VCF-style: chr7-47879226-G-A.
Other names: short protein forms R1863C.
Identifiers: ClinVar variation 4137512 (VCV004137512.2).

ClinVar aggregate classification (germline): Conflicting classifications of pathogenicity. Review status: criteria provided, conflicting classifications (1 of 4 stars). 2 submissions from 2 submitters: Uncertain significance (1); Likely benign (1). Last evaluated 2026-07-01.

Conditions:
PKD1L1-related disorder. Also called: PKD1L1-related condition.
Inborn genetic diseases. Identifiers: MedGen C0950123, MeSH D030342.

gnomAD v4.1: 2 of 1,581,312 alleles (0.00013%); highest among the groups gnomAD compares: Admixed American, 0.0018%; no homozygotes.

Submissions (2):

PreventionGenetics, part of Exact Sciences
Classification: Uncertain significance for PKD1L1-related condition. Last evaluated: 2026-07-01. Review status: criteria provided, single submitter. Criteria: ACMG Guidelines, 2015. Collection method: clinical testing. Allele origin: germline.
Comment: The PKD1L1 c.5587C>T variant is predicted to result in the amino acid substitution p.Arg1863Cys. To our knowledge, this variant has not been reported in the literature. This variant is reported in 0.0035% of alleles in individuals of Latino descent in gnomAD. At this time, the clinical significance of this variant is uncertain due to the absence of conclusive functional and genetic evidence.

Ambry Genetics
Classification: Likely benign for Inborn genetic diseases. Last evaluated: 2025-07-08. Review status: criteria provided, single submitter. Criteria: Ambry Variant Classification Scheme 2023. Collection method: clinical testing. Allele origin: germline.